The following is an entry in ClinVar:

ClinVar aggregate classification (germline): Likely benign (0 of 4 stars; one submission).

Conditions:
NBEA-related disorder. Also called: NBEA-related condition.

Allele frequency attached by ClinVar (database versions not stated): gnomAD exomes below 0.00001.
gnomAD v4.1: 1 of 1,434,018 alleles (0.00007%); highest among the groups gnomAD compares: East Asian, 0.0025%; no homozygotes.

Submission:

PreventionGenetics, part of Exact Sciences
Classification: Likely benign for NBEA-related condition. Last evaluated: 2021-03-31. Review status: no assertion criteria provided. Collection method: clinical testing. Allele origin: germline.
Comment: This variant is classified as likely benign based on ACMG/AMP sequence variant interpretation guidelines (Richards et al. 2015 PMID: 25741868, with internal and published modifications).

NM_001385012.1(NBEA):c.7297-6T>C

Gene: NBEA (neurobeachin; plus strand). Cytogenetic location: 13q13.3.
Variant type: single nucleotide variant.
Coding change: c.7297-6T>C on transcript NM_001385012.1 (MANE Select); 6 bases into the intron before coding-DNA position 7297, T replaced by C.
Molecular consequence: intron variant.
Genome position (GRCh38, 1-based): chr13:35,606,420, T>C. VCF-style: chr13-35606420-T-C. GRCh37 (hg19) VCF-style: chr13-36180557-T-C.
Other names: c.7297-6T>C (NM_015678.5); c.7288-6T>C (NM_001379245.1); c.676-6T>C (NM_001204197.3).
Identifiers: ClinVar variation 3030351 (VCV003030351.2), dbSNP rs1278975695, ClinGen allele CA609169389.